The following is an entry in ClinVar:

NM_000019.4(ACAT1):c.455G>C (p.Gly152Ala)

Gene: ACAT1 (acetyl-CoA acetyltransferase 1; plus strand). Cytogenetic location: 11q22.3.
Variant type: single nucleotide variant.
Coding change: c.455G>C on transcript NM_000019.4 (MANE Select); coding-DNA position 455, G replaced by C.
Protein change: p.Gly152Ala; replaces glycine 152 with alanine.
Molecular consequence: missense variant.
Genome position (GRCh38, 1-based): chr11:108,138,917, G>C. VCF-style: chr11-108138917-G-C. GRCh37 (hg19) VCF-style: chr11-108009644-G-C.
Other names: c.455G>C, p.Gly152Ala (LRG_1400t1); short protein forms G152A.
Identifiers: ClinVar variation 198029 (VCV000198029.18), dbSNP rs762991875, ClinGen allele CA275331.

ClinVar aggregate classification (germline): Pathogenic/Likely pathogenic. Review status: criteria provided, multiple submitters, no conflicts (2 of 4 stars). 6 submissions from 6 submitters: Pathogenic (4); Likely pathogenic (2). Last evaluated 2026-01-18.

Conditions:
Deficiency of acetyl-CoA acetyltransferase. Also called: 3-KETOTHIOLASE DEFICIENCY; 3-OXOTHIOLASE DEFICIENCY; MITOCHONDRIAL ACETOACETYL-CoA THIOLASE DEFICIENCY; Beta-ketothiolase deficiency. Identifiers: Orphanet 134, MedGen C1536500, MONDO:0008760, OMIM 203750. Disease mechanism: loss of function.

Allele frequency attached by ClinVar (database versions not stated): ExAC 0.00003; gnomAD exomes 0.00004 and 0.00006; gnomAD 0.00006; TOPMed 0.00010.
gnomAD v4.1: 60 of 1,614,046 alleles (0.0037%); highest among the groups gnomAD compares: Admixed American, 0.032%; no homozygotes.

Submissions (6):

Natera, Inc.
Classification: Pathogenic for Alpha-methylacetoacetic aciduria. Last evaluated: 2026-01-18. Review status: criteria provided, single submitter. Criteria: Natera Variant Classification Schema (03/2026). Collection method: clinical testing. Allele origin: germline.
Comment: The c.455G>C variant in ACAT1 is a missense variant predicted to cause substitution of glycine to alanine at amino acid 152. This variant is rare in the general population with a frequency below the threshold expected for the associated phenotype(s). This variant has been observed in one or more individuals affected with the associated recessive disease, as either homozygous or compound heterozygous with a second variant (PMID: 30626930, 11914035, 28255778). Functional studies show that this variant may disrupt protein function (PMID: 11914035). Computational prediction algorithms indicate this variant is likely to affect gene or protein function. Given the available evidence, this variant is classified as Pathogenic.

Labcorp Genetics (formerly Invitae), Labcorp
Classification: Pathogenic for Deficiency of acetyl-CoA acetyltransferase. Last evaluated: 2025-11-04. Review status: criteria provided, single submitter. Criteria: Invitae Variant Classification Sherloc (09022015). Collection method: clinical testing. Allele origin: germline.
Comment: This sequence change replaces glycine, which is neutral and non-polar, with alanine, which is neutral and non-polar, at codon 152 of the ACAT1 protein (p.Gly152Ala). This variant is present in population databases (rs762991875, gnomAD 0.03%). This missense change has been observed in individual(s) with beta-ketothiolase deficiency (PMID: 7749408, 15128923, 28255778). ClinVar contains an entry for this variant (Variation ID: 198029). Invitae Evidence Modeling of protein sequence and biophysical properties (such as structural, functional, and spatial information, amino acid conservation, physicochemical variation, residue mobility, and thermodynamic stability) indicates that this missense variant is expected to disrupt ACAT1 protein function with a positive predictive value of 95%. Experimental studies have shown that this missense change affects ACAT1 function (PMID: 7749408, 15128923). For these reasons, this variant has been classified as Pathogenic.

Fulgent Genetics
Classification: Pathogenic for Deficiency of acetyl-CoA acetyltransferase. Last evaluated: 2022-03-08. Review status: criteria provided, single submitter. Criteria: ACMG Guidelines, 2015. Collection method: clinical testing. Allele origin: unknown.

Department of Pediatrics, Gifu University
Classification: Likely pathogenic for Deficiency of acetyl-CoA acetyltransferase. Last evaluated: 2019-05-05. Review status: criteria provided, single submitter. Criteria: ACMG Guidelines, 2015. Collection method: research. Allele origin: germline. Affected: yes. Observed: 6 variant alleles. Clinical features observed: Ketoacidosis, Neurological impairment.

Women's Health and Genetics/Laboratory Corporation of America, LabCorp
Classification: Pathogenic for Deficiency of acetyl-CoA acetyltransferase. Last evaluated: 2017-09-28. Review status: criteria provided, single submitter. Criteria: LabCorp Variant Classification Summary - May 2015. Collection method: clinical testing. Allele origin: germline.
Comment: Variant summary: The ACAT1 c.455G>C (p.Gly152Ala) variant involves the alteration of a conserved nucleotide located in the buried Nbeta4 near an active site (Fukao_2002) and 4/4 in silico tools predict a damaging outcome for this variant (SNPsandGO not captured due to low reliability index). Functional studies support these predictions observing the variant to affect protein folding and/or dimerization but also accumulated unstable mutant protein (Fukao_2002 and Zhang_2004). This variant was found in 14/246162 control chromosomes at a frequency of 0.0000569, which does not exceed the estimated maximal expected allele frequency of a pathogenic ACAT1 variant (0.0028868). Multiple publications cite the variant in affected compound heterozygote patients. In addition, a clinical diagnostic laboratory classified this variant as likely pathogenic. Taken together, this variant is classified as pathogenic.

Eurofins Ntd Llc (ga)
Classification: Likely pathogenic. Last evaluated: 2015-02-04. Review status: criteria provided, single submitter. Criteria: EGL Classification Definitions 2015. Collection method: clinical testing. Allele origin: germline. Observed: 2 variant alleles, 2 heterozygotes.

Literature cited by the submitters: PubMed 30626930 (cited by Natera, Inc.); PubMed 11914035 (cited by Natera, Inc. and Women's Health and Genetics/Laboratory Corporation of America, LabCorp); PubMed 28255778 (cited by Natera, Inc. and Labcorp Genetics (formerly Invitae), Labcorp); PubMed 7749408 (cited by Labcorp Genetics (formerly Invitae), Labcorp); PubMed 15128923 (cited by 3 submitters); PubMed 31268215 (cited by Department of Pediatrics, Gifu University).